The following is an entry in ClinVar:

ClinVar aggregate classification (germline): Likely pathogenic (1 of 4 stars; one submission).

Conditions:
Dilated cardiomyopathy 1G (CMD1G). Identifiers: Orphanet 154, MedGen C1858763, MONDO:0011400, OMIM 604145.
Autosomal recessive limb-girdle muscular dystrophy type 2J (LGMDR10). Also called: MUSCULAR DYSTROPHY, LIMB-GIRDLE, AUTOSOMAL RECESSIVE 10; Limb-girdle muscular dystrophy, type 2J. Identifiers: Orphanet 140922, MedGen C1837342, MONDO:0012127, OMIM 608807.

Submission:

Labcorp Genetics (formerly Invitae), Labcorp
Classification: Likely pathogenic for Dilated cardiomyopathy 1G; Autosomal recessive limb-girdle muscular dystrophy type 2J. Last evaluated: 2022-06-13. Review status: criteria provided, single submitter. Criteria: Invitae Variant Classification Sherloc (09022015). Collection method: clinical testing. Allele origin: germline.
Comment: This sequence change creates a premature translational stop signal (p.Val19800Serfs*3) in the TTN gene. While this is not anticipated to result in nonsense mediated decay, it is expected to create a truncated TTN protein. In summary, the currently available evidence indicates that the variant is pathogenic, but additional data are needed to prove that conclusively. Therefore, this variant has been classified as Likely Pathogenic. This variant is located in the A band of TTN (PMID: 25589632). Truncating variants in this region are significantly overrepresented in patients affected with dilated cardiomyopathy (PMID: 25589632). Truncating variants in this region have also been reported in individuals affected with autosomal recessive centronuclear myopathy (PMID: 23975875). This variant has not been reported in the literature in individuals affected with TTN-related conditions. This variant is not present in population databases (gnomAD no frequency).

Literature cited by the submitters: PubMed 25589632; PubMed 23975875.

NM_001267550.2(TTN):c.59397dup (p.Val19800fs)

Genes: TTN (titin; minus strand), TTN-AS1 (TTN antisense RNA 1; plus strand), LOC126806424 (CDK7 strongly-dependent group 2 enhancer GRCh37_chr2:179456337-179457536; plus strand). Cytogenetic location: 2q31.2.
Variant type: Duplication.
Coding change: c.59397dup on transcript NM_001267550.2 (MANE Select); coding-DNA position 59397, one base duplicated (A; older notation c.59397dupA).
Protein change: p.Val19800fs; shifts the reading frame from valine 19800.
Molecular consequence: frameshift variant.
Genome position (GRCh38, 1-based): chr2:178,592,608, T duplicated on the plus strand (A on the coding strand, the reverse complement: TTN is on the minus strand); the first of 3 consecutive T bases (chr2:178,592,608-178,592,610); duplicating any one gives the same sequence. VCF-style (leftmost placement, unchanged base first): chr2-178592607-C-CT. GRCh37 (hg19) VCF-style: chr2-179457334-C-CT.
Other names: c.54474dup, p.Val18159fs (NM_001256850.1); c.32202dup, p.Val10735fs (NM_003319.4); c.51693dup, p.Val17232fs (NM_133378.4); c.32577dup, p.Val10860fs (NM_133432.3); c.32778dup, p.Val10927fs (NM_133437.4); short protein forms V18159fs, V10860fs, V10927fs, V17232fs, V10735fs, V19800fs.
Identifiers: ClinVar variation 2005624 (VCV002005624.4), dbSNP rs2469538826, ClinGen allele CA2580064885.
Genomic context (GRCh38, chr2:178,592,607, plus strand): 5'-AAGTTACTTTTGGGAATGGCACTCCTTTGATGATGGCACTAAGTCTTAGAGTATCACCAA[C>CT]TTTAATGTGTTGTTCTCTTGCCATGTTGGCATCAAGAATCAACTCAGGGGGTTCTAGAAT-3'